The following is an entry in ClinVar:

ClinVar aggregate classification (germline): Benign/Likely benign. Review status: criteria provided, multiple submitters, no conflicts (2 of 4 stars). 10 submissions from 10 submitters: Benign (6); Likely benign (4). Last evaluated 2026-02-01.

Conditions:
Cardiovascular phenotype. Identifiers: MedGen CN230736.
Cardiomyopathy (CMYO). Also called: Cardiomyopathies. Identifiers: Orphanet 167848, MedGen C0878544, MONDO:0004994, HP:0001638. Inheritance: Various modes of inheritance.
Hypertrophic cardiomyopathy 10. Also called: CARDIOMYOPATHY, HYPERTROPHIC, MID-LEFT VENTRICULAR CHAMBER TYPE, 2; MYL2-Related Familial Hypertrophic Cardiomyopathy. Identifiers: MedGen C1834460, MONDO:0012112, OMIM 608758.
Hypertrophic cardiomyopathy. Also called: HYPERTROPHIC MYOCARDIOPATHY. Identifiers: Orphanet 217569, MedGen C0007194, MeSH D002312, MONDO:0005045, HP:0001639.

Allele frequency attached by ClinVar (database versions not stated): ESP Exome Variant Server 0.00008; TOPMed 0.00010; gnomAD 0.00011 and 0.00015; gnomAD exomes 0.00027 and 0.00039; 1000 Genomes Project 30x 0.00047; ExAC 0.00048; 1000 Genomes Project 0.00060.

Submissions (10):

Labcorp Genetics (formerly Invitae), Labcorp
Classification: Benign for Hypertrophic cardiomyopathy 10. Last evaluated: 2026-02-01. Review status: criteria provided, single submitter. Criteria: Invitae Variant Classification Sherloc (09022015). Collection method: clinical testing. Allele origin: germline.

Blueprint Genetics
Classification: Likely benign. Last evaluated: 2024-11-22. Review status: criteria provided, single submitter. Criteria: ACMG Guidelines, 2015. Collection method: clinical testing. Allele origin: germline.

All of Us Research Program, National Institutes of Health
Classification: Benign for Hypertrophic cardiomyopathy. Last evaluated: 2024-02-05. Review status: criteria provided, single submitter. Criteria: ACMG Guidelines, 2015. Collection method: clinical testing. Allele origin: germline. Inheritance: Autosomal dominant inheritance. Observed: 33 variant alleles, 33 heterozygotes.
Comment: This study involves interpretation of variants in research participants for the purpose of population health screening. Participant phenotype was not available at the time of variant classification. Additional details can be found in publication PMID: 35346344, PMCID: PMC8962531

Women's Health and Genetics/Laboratory Corporation of America, LabCorp
Classification: Benign. Last evaluated: 2023-07-10. Review status: criteria provided, single submitter. Criteria: LabCorp Variant Classification Summary - May 2015. Collection method: clinical testing. Allele origin: germline.

Ambry Genetics
Classification: Likely benign for Cardiovascular phenotype. Last evaluated: 2019-03-19. Review status: criteria provided, single submitter. Criteria: Ambry Variant Classification Scheme 2023. Collection method: clinical testing. Allele origin: germline.

Color Diagnostics, LLC DBA Color Health
Classification: Benign for Cardiomyopathy. Last evaluated: 2018-06-11. Review status: criteria provided, single submitter. Criteria: ACMG Guidelines, 2015. Collection method: clinical testing. Allele origin: germline.

Illumina Laboratory Services, Illumina
Classification: Likely benign for Hypertrophic cardiomyopathy 10. Last evaluated: 2018-01-13. Review status: criteria provided, single submitter. Criteria: ICSL Variant Classification Criteria 13 December 2019. Collection method: clinical testing. Allele origin: germline.
Comment: This variant was observed in the ICSL laboratory as part of a predisposition screen in an ostensibly healthy population. It had not been previously curated by ICSL or reported in the Human Gene Mutation Database (HGMD: prior to June 1st, 2018), and was therefore a candidate for classification through an automated scoring system. Utilizing variant allele frequency, disease prevalence and penetrance estimates, and inheritance mode, an automated score was calculated to assess if this variant is too frequent to cause the disease. Based on the score and internal cut-off values, a variant classified as likely benign is not then subjected to further curation. The score for this variant resulted in a classification of likely benign for this disease.

CHEO Genetics Diagnostic Laboratory, Children's Hospital of Eastern Ontario
Classification: Benign for Cardiomyopathy. Last evaluated: 2018-01-12. Review status: criteria provided, single submitter. Criteria: ACMG Guidelines, 2015. Collection method: clinical testing. Allele origin: germline.

GeneDx
Classification: Benign. Last evaluated: 2014-06-30. Review status: criteria provided, single submitter. Criteria: GeneDx Variant Classification (06012015). Collection method: clinical testing. Allele origin: germline. Affected: yes.
Comment: This variant is considered likely benign or benign based on one or more of the following criteria: it is a conservative change, it occurs at a poorly conserved position in the protein, it is predicted to be benign by multiple in silico algorithms, and/or has population frequency not consistent with disease.

Laboratory for Molecular Medicine, Mass General Brigham Personalized Medicine
Classification: Likely benign. Last evaluated: 2008-03-01. Review status: criteria provided, single submitter. Criteria: LMM Criteria. Collection method: clinical testing. Allele origin: germline. Observed: 2 variant alleles.

NM_000432.4(MYL2):c.33G>A (p.Gly11=)

Genes: MYL2 (myosin light chain 2; minus strand), LOC114827850 (VISTA enhancer hs2149; plus strand). Cytogenetic location: 12q24.11.
Variant type: single nucleotide variant.
Coding change: c.33G>A on transcript NM_000432.4 (MANE Select); coding-DNA position 33, G replaced by A.
Protein change: p.Gly11=; no amino-acid change (glycine 11 retained).
Genome position (GRCh38, 1-based): chr12:110,919,164, C>T on the plus strand (G>A on the coding strand, the complement: MYL2 is on the minus strand). VCF-style: chr12-110919164-C-T. GRCh37 (hg19) VCF-style: chr12-111356968-C-T.
Other names: p.G11G:GGG>GGA.
Identifiers: ClinVar variation 43468 (VCV000043468.26), dbSNP rs199742269, ClinGen allele CA010120.